The following is an entry in ClinVar:

ClinVar aggregate classification (germline): Uncertain significance (1 of 4 stars; one submission).

Conditions:
PLXNA2-related disorder. Also called: PLXNA2-related condition.

Submission:

PreventionGenetics, part of Exact Sciences
Classification: Uncertain significance for PLXNA2-related condition. Last evaluated: 2025-10-20. Review status: criteria provided, single submitter. Criteria: ACMG Guidelines, 2015. Collection method: clinical testing. Allele origin: germline.
Comment: The PLXNA2 c.3659T>C variant is predicted to result in the amino acid substitution p.Val1220Ala. To our knowledge, this variant has not been reported in the literature or in a large population database (gnomAD), indicating this variant is rare. At this time, the clinical significance of this variant is uncertain due to the absence of conclusive functional and genetic evidence.

NM_025179.4(PLXNA2):c.3659T>C (p.Val1220Ala)

Gene: PLXNA2 (plexin A2; minus strand). Cytogenetic location: 1q32.2.
Variant type: single nucleotide variant.
Coding change: c.3659T>C on transcript NM_025179.4 (MANE Select); coding-DNA position 3659, T replaced by C.
Protein change: p.Val1220Ala; replaces valine 1220 with alanine.
Molecular consequence: missense variant.
Genome position (GRCh38, 1-based): chr1:208,044,723, A>G on the plus strand (T>C on the coding strand, the complement: PLXNA2 is on the minus strand). VCF-style: chr1-208044723-A-G. GRCh37 (hg19) VCF-style: chr1-208218068-A-G.
Other names: short protein forms V1220A.
Identifiers: ClinVar variation 4991478 (VCV004991478.1).